The following is an entry in ClinVar:

NM_001031709.3(RNLS):c.665G>A (p.Arg222His)

Gene: RNLS (renalase, FAD dependent amine oxidase; minus strand). Cytogenetic location: 10q23.31.
Variant type: single nucleotide variant.
Coding change: c.665G>A on transcript NM_001031709.3 (MANE Select); coding-DNA position 665, G replaced by A.
Protein change: p.Arg222His; replaces arginine 222 with histidine.
Molecular consequence: missense variant.
Genome position (GRCh38, 1-based): chr10:88,362,587, C>T on the plus strand (G>A on the coding strand, the complement: RNLS is on the minus strand). VCF-style: chr10-88362587-C-T. GRCh37 (hg19) VCF-style: chr10-90122344-C-T.
Other names: c.665G>A, p.Arg222His (NM_018363.4); short protein forms R222H.
Identifiers: ClinVar variation 4706635 (VCV004706635.1).

ClinVar aggregate classification (germline): Uncertain significance (1 of 4 stars; one submission).

gnomAD v4.1: 18 of 1,613,736 alleles (0.0011%); highest among the groups gnomAD compares: Admixed American, 0.01%; no homozygotes.

Submission:

Labcorp Genetics (formerly Invitae), Labcorp
Classification: Uncertain significance. Last evaluated: 2025-12-24. Review status: criteria provided, single submitter. Criteria: Invitae Variant Classification Sherloc (09022015). Collection method: clinical testing. Allele origin: germline.
Comment: This sequence change replaces arginine, which is basic and polar, with histidine, which is basic and polar, at codon 222 of the RNLS protein (p.Arg222His). This variant is present in population databases (rs191733133, gnomAD 0.02%). This variant has not been reported in the literature in individuals affected with RNLS-related conditions. An algorithm developed to predict the effect of missense changes on protein structure and function (PolyPhen-2) suggests that this variant is likely to be disruptive. In summary, the available evidence is currently insufficient to determine the role of this variant in disease. Therefore, it has been classified as a Variant of Uncertain Significance.